The following is an entry in ClinVar:

ClinVar aggregate classification (germline): Uncertain significance (1 of 4 stars; one submission).

Submission:

GeneDx
Classification: Uncertain significance. Last evaluated: 2023-05-24. Review status: criteria provided, single submitter. Criteria: GeneDx Variant Classification Process June 2021. Collection method: clinical testing. Allele origin: germline. Affected: yes.
Comment: Not observed at significant frequency in large population cohorts (gnomAD); In silico analysis supports that this missense variant has a deleterious effect on protein structure/function; Has not been previously published as pathogenic or benign to our knowledge

NM_001378969.1(KCND3):c.809A>G (p.Tyr270Cys)

Gene: KCND3 (potassium voltage-gated channel subfamily D member 3; minus strand). Cytogenetic location: 1p13.2.
Variant type: single nucleotide variant.
Coding change: c.809A>G on transcript NM_001378969.1 (MANE Select); coding-DNA position 809, A replaced by G.
Protein change: p.Tyr270Cys; replaces tyrosine 270 with cysteine.
Molecular consequence: missense variant.
Genome position (GRCh38, 1-based): chr1:111,981,918, T>C on the plus strand (A>G on the coding strand, the complement: KCND3 is on the minus strand). VCF-style: chr1-111981918-T-C. GRCh37 (hg19) VCF-style: chr1-112524540-T-C.
Other names: c.809A>G, p.Tyr270Cys (NM_001378970.1, NM_004980.5, NM_172198.3); short protein forms Y270C.
Identifiers: ClinVar variation 3343668 (VCV003343668.1).